The following is an entry in ClinVar:

ClinVar aggregate classification (germline): Pathogenic. Review status: criteria provided, multiple submitters, no conflicts (2 of 4 stars). 2 submissions from 2 submitters: Pathogenic (2). Last evaluated 2020-08-16.

Conditions:
Multicentric carpo-tarsal osteolysis with or without nephropathy. Also called: MULTICENTRIC OSTEOLYSIS, AUTOSOMAL DOMINANT; Multicentric Osteolysis of Carpal Bones and Nephropathy; OSTEOLYSIS, HEREDITARY, OF CARPAL BONES WITH OR WITHOUT NEPHROPATHY; MULTICENTRIC CARPOTARSAL OSTEOLYSIS SYNDROME; Carnevale Canun Mendoza syndrome; Multicentric Carpotarsal Osteolysis with or without Nephropathy. Identifiers: Orphanet 2774, MedGen C2674705, MONDO:0008152, OMIM 166300.

Submissions (2):

Department of Hand Surgery, Beijing Jishuitan Hospital
Classification: Pathogenic for Multicentric carpo-tarsal osteolysis with or without nephropathy. Last evaluated: 2020-08-16. Review status: criteria provided, single submitter. Criteria: ACMG Guidelines, 2015. Collection method: clinical testing. Allele origin: de novo. Inheritance: Autosomal dominant inheritance. Affected: yes. Observed: 1 heterozygote.
Comment: ZANKL A et al. reported missense mutations clustering in the Amino-terminal transcriptional activation domain of MAFB in 11 unrelated simplex cases and in two families with Multicentric Carpotarsal Osteolysis in 2012. A patient had the variant c.184A>C (same site as the variant we found), causing the amino acid substitution p.Thr62Pro. The same variant was previously submitted to Clinvar (SCV001150154.1), the patient in that record also had MCTO.

Institute of Human Genetics Munich, TUM University Hospital
Classification: Pathogenic for Multicentric carpo-tarsal osteolysis with or without nephropathy. Last evaluated: 2018-01-25. Review status: criteria provided, single submitter. Criteria: Classification criteria August 2017. Collection method: clinical testing. Allele origin: de novo. Inheritance: Autosomal dominant inheritance. Affected: yes. Observed: 1 heterozygote.

Literature cited by the submitters: PubMed 22387013 (cited by Department of Hand Surgery, Beijing Jishuitan Hospital).

NM_005461.5(MAFB):c.184A>G (p.Thr62Ala)

Gene: MAFB (MAF bZIP transcription factor B; minus strand). Cytogenetic location: 20q12.
Variant type: single nucleotide variant.
Coding change: c.184A>G on transcript NM_005461.5 (MANE Select); coding-DNA position 184, A replaced by G.
Protein change: p.Thr62Ala; replaces threonine 62 with alanine.
Molecular consequence: missense variant.
Genome position (GRCh38, 1-based): chr20:40,688,667, T>C on the plus strand (A>G on the coding strand, the complement: MAFB is on the minus strand). VCF-style: chr20-40688667-T-C. GRCh37 (hg19) VCF-style: chr20-39317307-T-C.
Other names: short protein forms T62A.
Identifiers: ClinVar variation 807627 (VCV000807627.5), dbSNP rs387907004, ClinGen allele CA408941720.